The following is an entry in ClinVar:

ClinVar aggregate classification (germline): Benign/Likely benign. Review status: criteria provided, multiple submitters, no conflicts (2 of 4 stars). 7 submissions from 7 submitters: Benign (2); Likely benign (4). 1 of the submissions does not count toward it. Last evaluated 2026-04-21.

Conditions:
Polycystic kidney disease, adult type (PKD1). Also called: Polycystic Kidney Disease 1, Autosomal Dominant; Polycystic kidney disease 1; Polycystic kidney disease 1, severe; Polycystic Kidney, Autosomal Dominant; POLYCYSTIC KIDNEY DISEASE 1 WITH OR WITHOUT POLYCYSTIC LIVER DISEASE; POLYCYSTIC KIDNEY DISEASE, ADULT, TYPE I. Identifiers: MedGen C3149841, MONDO:0008263, OMIM 173900.
PKD1-related disorder. Also called: PKD1-related condition.

Allele frequency attached by ClinVar (database versions not stated): gnomAD exomes 0.00046; ExAC 0.00057; 1000 Genomes Project 30x 0.00172; ESP Exome Variant Server 0.00183; gnomAD 0.00195 and 0.00215; TOPMed 0.00212; 1000 Genomes Project 0.00220.
gnomAD v4.1: 617 of 1,608,738 alleles (0.038%); highest among the groups gnomAD compares: African/African-American, 0.7%; 2 homozygotes.

Submissions (7):

Women's Health and Genetics/Laboratory Corporation of America, LabCorp
Classification: Likely benign. Last evaluated: 2026-04-21. Review status: criteria provided, single submitter. Criteria: LabCorp Variant Classification Summary - May 2015. Collection method: clinical testing. Allele origin: germline.
Comment: Variant summary: PKD1 c.3853C>T (p.Arg1285Trp) results in a non-conservative amino acid change in the encoded protein sequence. Algorithms developed to predict the effect of missense changes on protein structure and function are either unavailable or do not agree on the potential impact of this missense change. The variant allele was found at a frequency of 0.00046 in 234628 control chromosomes, predominantly at a frequency of 0.0065 within the African or African-American subpopulation in the gnomAD database. The observed variant frequency within African or African-American control individuals in the gnomAD database exceeds the estimated maximal expected allele frequency for disease-causing variants in PKD1. Although reported in the literature (example, Chang_2022), to our knowledge, no occurrence of c.3853C>T in individuals affected with PKD1-related conditions and no experimental evidence demonstrating its impact on protein function have been reported. ClinVar contains an entry for this variant (Variation ID: 805163). The following publication has been ascertained in the context of this evaluation (PMID: 36573973). Based on the evidence outlined above, the variant was classified as likely benign.

Blueprint Genetics
Classification: Likely benign. Last evaluated: 2024-09-16. Review status: criteria provided, single submitter. Criteria: ACMG Guidelines, 2015. Collection method: clinical testing. Allele origin: germline.

Fulgent Genetics
Classification: Likely benign for Polycystic kidney disease, adult type. Last evaluated: 2021-11-05. Review status: criteria provided, single submitter. Criteria: ACMG Guidelines, 2015. Collection method: clinical testing. Allele origin: unknown.

Department of Pathology and Laboratory Medicine, Sinai Health System
Classification: Likely benign for Polycystic kidney disease, adult type. Last evaluated: 2020-04-09. Review status: criteria provided, single submitter. Criteria: ACMG Guidelines, 2015. Collection method: clinical testing. Allele origin: germline. Affected: yes.

Athena Diagnostics
Classification: Benign. Last evaluated: 2019-01-08. Review status: criteria provided, single submitter. Criteria: Athena Diagnostics Criteria. Collection method: clinical testing. Allele origin: germline.

Breakthrough Genomics
Classification: Benign. Review status: criteria provided, single submitter. Criteria: ACMG Guidelines, 2015. Collection method: not provided. Allele origin: germline. Inheritance: Autosomal dominant inheritance. Affected: yes.

PreventionGenetics, part of Exact Sciences
Classification: Likely benign for PKD1-related condition. Last evaluated: 2019-10-17. Review status: no assertion criteria provided. Collection method: clinical testing. Allele origin: germline. Not counted in ClinVar's aggregate classification.
Comment: This variant is classified as likely benign based on ACMG/AMP sequence variant interpretation guidelines (Richards et al. 2015 PMID: 25741868, with internal and published modifications).

Literature cited by the submitters: PubMed 36573973 (cited by Women's Health and Genetics/Laboratory Corporation of America, LabCorp).

NM_001009944.3(PKD1):c.3853C>T (p.Arg1285Trp)

Gene: PKD1 (polycystin 1, transient receptor potential channel interacting; minus strand). Cytogenetic location: 16p13.3.
Variant type: single nucleotide variant.
Coding change: c.3853C>T on transcript NM_001009944.3 (MANE Select); coding-DNA position 3853, C replaced by T.
Protein change: p.Arg1285Trp; replaces arginine 1285 with tryptophan.
Molecular consequence: missense variant.
Genome position (GRCh38, 1-based): chr16:2,111,314, G>A on the plus strand (C>T on the coding strand, the complement: PKD1 is on the minus strand). VCF-style: chr16-2111314-G-A. GRCh37 (hg19) VCF-style: chr16-2161315-G-A.
Other names: c.3853C>T, p.Arg1285Trp (NM_000296.4); c.3853C>T (NM_001009944.2); short protein forms R1285W.
Identifiers: ClinVar variation 805163 (VCV000805163.8), dbSNP rs143953714, ClinGen allele CA7832612.